The following is an entry in ClinVar:

NM_001364905.1(LRBA):c.782A>G (p.Lys261Arg)

Gene: LRBA (LPS responsive beige-like anchor protein; minus strand). Cytogenetic location: 4q31.3.
Variant type: single nucleotide variant.
Coding change: c.782A>G on transcript NM_001364905.1 (MANE Select); coding-DNA position 782, A replaced by G.
Protein change: p.Lys261Arg; replaces lysine 261 with arginine.
Molecular consequence: missense variant.
Genome position (GRCh38, 1-based): chr4:150,916,513, T>C on the plus strand (A>G on the coding strand, the complement: LRBA is on the minus strand). VCF-style: chr4-150916513-T-C. GRCh37 (hg19) VCF-style: chr4-151837665-T-C.
Other names: p.Lys261Arg; c.782A>G, p.Lys261Arg (NM_001199282.3, NM_001367550.1, NM_006726.5); short protein forms K261R.
Identifiers: ClinVar variation 624048 (VCV000624048.50), dbSNP rs375175981, ClinGen allele CA3103762.

ClinVar aggregate classification (germline): Uncertain significance. Review status: criteria provided, multiple submitters, no conflicts (2 of 4 stars). 5 submissions from 5 submitters: Uncertain significance (5). Last evaluated 2025-09-01.

Conditions:
Inborn genetic diseases. Identifiers: MedGen C0950123, MeSH D030342.
Combined immunodeficiency due to LRBA deficiency. Also called: Common variable immunodeficiency 8, with autoimmunity. Identifiers: Orphanet 445018, MedGen C3553512, MONDO:0013863, OMIM 614700.

Allele frequency attached by ClinVar (database versions not stated): gnomAD 0.00002; TOPMed 0.00002; gnomAD exomes 0.00003 and 0.00004; ExAC 0.00004; ESP Exome Variant Server 0.00008.
gnomAD v4.1: 43 of 1,613,102 alleles (0.0027%); highest among the groups gnomAD compares: Non-Finnish European, 0.0036%; no homozygotes.

Submissions (5):

Ambry Genetics
Classification: Uncertain significance for Inborn genetic diseases. Last evaluated: 2025-09-01. Review status: criteria provided, single submitter. Criteria: Ambry Variant Classification Scheme 2023. Collection method: clinical testing. Allele origin: germline.

Mayo Clinic Laboratories, Mayo Clinic
Classification: Uncertain significance. Last evaluated: 2024-08-28. Review status: criteria provided, single submitter. Criteria: ACMG Guidelines, 2015. Collection method: clinical testing. Allele origin: germline. Observed: 1 variant allele.

Baylor Genetics
Classification: Uncertain significance for Combined immunodeficiency due to LRBA deficiency. Last evaluated: 2024-03-05. Review status: criteria provided, single submitter. Criteria: ACMG Guidelines, 2015. Collection method: clinical testing. Allele origin: unknown.

Labcorp Genetics (formerly Invitae), Labcorp
Classification: Uncertain significance for Combined immunodeficiency due to LRBA deficiency. Last evaluated: 2023-12-11. Review status: criteria provided, single submitter. Criteria: Invitae Variant Classification Sherloc (09022015). Collection method: clinical testing. Allele origin: germline.
Comment: This sequence change replaces lysine, which is basic and polar, with arginine, which is basic and polar, at codon 261 of the LRBA protein (p.Lys261Arg). This variant is present in population databases (rs375175981, gnomAD 0.01%). This variant has not been reported in the literature in individuals affected with LRBA-related conditions. ClinVar contains an entry for this variant (Variation ID: 624048). Advanced modeling of protein sequence and biophysical properties (such as structural, functional, and spatial information, amino acid conservation, physicochemical variation, residue mobility, and thermodynamic stability) performed at Invitae indicates that this missense variant is expected to disrupt LRBA protein function with a positive predictive value of 80%. In summary, the available evidence is currently insufficient to determine the role of this variant in disease. Therefore, it has been classified as a Variant of Uncertain Significance.

CeGaT Center for Human Genetics Tuebingen
Classification: Uncertain significance. Last evaluated: 2018-06-01. Review status: criteria provided, single submitter. Criteria: CeGaT Center For Human Genetics Tuebingen Variant Classification Criteria Version 2. Collection method: clinical testing. Allele origin: germline. Affected: yes. Observed: 1 variant allele.